The following is an entry in ClinVar:

NM_012233.3(RAB3GAP1):c.2490+19C>T

Gene: RAB3GAP1 (RAB3 GTPase activating protein catalytic subunit 1; plus strand). Cytogenetic location: 2q21.3.
Variant type: single nucleotide variant.
Coding change: c.2490+19C>T on transcript NM_012233.3 (MANE Select); 19 bases into the intron after coding-DNA position 2490, C replaced by T.
Molecular consequence: intron variant.
Genome position (GRCh38, 1-based): chr2:135,162,870, C>T. VCF-style: chr2-135162870-C-T. GRCh37 (hg19) VCF-style: chr2-135920440-C-T.
Other names: c.2490+19C>T (NM_001172435.2).
Identifiers: ClinVar variation 516558 (VCV000516558.7), dbSNP rs370595325, ClinGen allele CA1885083.
Genomic context (GRCh38, chr2:135,162,870, plus strand): 5'-AAAGTTTTGCACTTCCCCAATCCAGAAGACAAGAAATTGGAAGTAAGTTTGATGTAGTGT[C>T]AGAATCTTGCCAAGTGTTCTCCTCAGTTGGCAAAAATAATTTTTAAGATGCGTTTTCAAA-3'

ClinVar aggregate classification (germline): Benign/Likely benign. Review status: criteria provided, multiple submitters, no conflicts (2 of 4 stars). 3 submissions from 3 submitters: Benign (1); Likely benign (2). Last evaluated 2025-12-01.

Allele frequency attached by ClinVar (database versions not stated): gnomAD exomes 0.00010 and 0.00025; ExAC 0.00036; gnomAD 0.00109 and 0.00113; TOPMed 0.00125; 1000 Genomes Project 0.00140; 1000 Genomes Project 30x 0.00156; ESP Exome Variant Server 0.00161.
gnomAD v4.1: 324 of 1,594,676 alleles (0.02%); highest among the groups gnomAD compares: African/African-American, 0.39%; 2 homozygotes.

Submissions (3):

Labcorp Genetics (formerly Invitae), Labcorp
Classification: Benign. Last evaluated: 2025-12-01. Review status: criteria provided, single submitter. Criteria: Invitae Variant Classification Sherloc (09022015). Collection method: clinical testing. Allele origin: germline.

Blueprint Genetics
Classification: Likely benign. Last evaluated: 2023-02-01. Review status: criteria provided, single submitter. Criteria: ACMG Guidelines, 2015. Collection method: clinical testing. Allele origin: germline.

GeneDx
Classification: Likely benign. Last evaluated: 2017-09-15. Review status: criteria provided, single submitter. Criteria: GeneDx Variant Classification (06012015). Collection method: clinical testing. Allele origin: germline. Affected: yes.
Comment: This variant is considered likely benign or benign based on one or more of the following criteria: it is a conservative change, it occurs at a poorly conserved position in the protein, it is predicted to be benign by multiple in silico algorithms, and/or has population frequency not consistent with disease.